The following is an entry in ClinVar:

ClinVar aggregate classification (germline): Uncertain significance (1 of 4 stars; one submission).

Submission:

CeGaT Center for Human Genetics Tuebingen
Classification: Uncertain significance. Last evaluated: 2022-08-01. Review status: criteria provided, single submitter. Criteria: CeGaT Center For Human Genetics Tuebingen Variant Classification Criteria Version 2. Collection method: clinical testing. Allele origin: germline. Affected: yes. Observed: 1 variant allele.
Comment: ERF: PM2

NM_006494.4(ERF):c.1442A>G (p.Lys481Arg)

Gene: ERF (ETS2 repressor factor; minus strand). Cytogenetic location: 19q13.2.
Variant type: single nucleotide variant.
Coding change: c.1442A>G on transcript NM_006494.4 (MANE Select); coding-DNA position 1442, A replaced by G.
Protein change: p.Lys481Arg; replaces lysine 481 with arginine.
Molecular consequence: missense variant.
Genome position (GRCh38, 1-based): chr19:42,248,670, T>C on the plus strand (A>G on the coding strand, the complement: ERF is on the minus strand). VCF-style: chr19-42248670-T-C. GRCh37 (hg19) VCF-style: chr19-42752822-T-C.
Other names: c.1217A>G, p.Lys406Arg (NM_001301035.2, NM_001308402.2, NM_001312656.2); short protein forms K406R, K481R.
Identifiers: ClinVar variation 2649940 (VCV002649940.24), dbSNP rs2513517826, ClinGen allele CA406104801.